The following is an entry in ClinVar:

ClinVar aggregate classification (germline): Uncertain significance (1 of 4 stars; one submission).

Submission:

Labcorp Genetics (formerly Invitae), Labcorp
Classification: Uncertain significance. Last evaluated: 2022-11-26. Review status: criteria provided, single submitter. Criteria: Invitae Variant Classification Sherloc (09022015). Collection method: clinical testing. Allele origin: unknown.
Comment: In summary, the available evidence is currently insufficient to determine the role of this variant in disease. Therefore, it has been classified as a Variant of Uncertain Significance. Experimental studies and prediction algorithms are not available or were not evaluated, and the functional significance of this variant is currently unknown. This variant has not been reported in the literature in individuals affected with GUCY2C-related conditions. This variant is a gross deletion of the genomic region encompassing exon(s) 16-19 of the GUCY2C gene. This variant would be expected to be in-frame, preserving the integrity of the reading frame.

NC_000012.11:g.(?_14792776)_(14798269_?)del

Gene: GUCY2C (guanylate cyclase 2C; minus strand). Cytogenetic location: 12p13.1.
Variant type: Deletion.
Identifiers: ClinVar variation 3244384 (VCV003244384.1).